The following is an entry in ClinVar:

ClinVar aggregate classification (germline): Uncertain significance (1 of 4 stars; one submission).

Conditions:
CDC42BPB-related disorder.

Submission:

PreventionGenetics, part of Exact Sciences
Classification: Uncertain significance for CDC42BPB-related condition. Last evaluated: 2025-12-09. Review status: criteria provided, single submitter. Criteria: ACMG Guidelines, 2015. Collection method: clinical testing. Allele origin: germline.
Comment: The CDC42BPB c.1984G>A variant is predicted to result in the amino acid substitution p.Glu662Lys. To our knowledge, this variant has not been reported in the literature or in a large population database (gnomAD), indicating this variant is rare. At this time, the clinical significance of this variant is uncertain due to the absence of conclusive functional and genetic evidence.

NM_006035.4(CDC42BPB):c.1984G>A (p.Glu662Lys)

Gene: CDC42BPB (CDC42 binding protein kinase beta; minus strand). Cytogenetic location: 14q32.32.
Variant type: single nucleotide variant.
Coding change: c.1984G>A on transcript NM_006035.4 (MANE Select); coding-DNA position 1984, G replaced by A.
Protein change: p.Glu662Lys; replaces glutamic acid 662 with lysine.
Molecular consequence: missense variant.
Genome position (GRCh38, 1-based): chr14:102,970,162, C>T on the plus strand (G>A on the coding strand, the complement: CDC42BPB is on the minus strand). VCF-style: chr14-102970162-C-T. GRCh37 (hg19) VCF-style: chr14-103436499-C-T.
Other names: c.1984G>A, p.Glu662Lys (NM_001411054.1); short protein forms E662K.
Identifiers: ClinVar variation 5000184 (VCV005000184.1).